The following is an entry in ClinVar:

NM_003073.5(SMARCB1):c.238G>A (p.Gly80Arg)

Gene: SMARCB1 (SWI/SNF related BAF chromatin remodeling complex subunit B1; plus strand). Cytogenetic location: 22q11.23.
Variant type: single nucleotide variant.
Coding change: c.238G>A on transcript NM_003073.5 (MANE Select); coding-DNA position 238, G replaced by A.
Protein change: p.Gly80Arg; replaces glycine 80 with arginine.
Molecular consequence: missense variant.
Genome position (GRCh38, 1-based): chr22:23,793,564, G>A. VCF-style: chr22-23793564-G-A. GRCh37 (hg19) VCF-style: chr22-24135751-G-A.
Other names: c.211G>A, p.Gly71Arg (NM_001007468.3, NM_001317946.2); c.238G>A, p.Gly80Arg (NM_001362877.2); short protein forms G71R, G80R.
Identifiers: ClinVar variation 1790550 (VCV001790550.7), dbSNP rs754395342, ClinGen allele CA10145878.

ClinVar aggregate classification (germline): Uncertain significance. Review status: criteria provided, multiple submitters, no conflicts (2 of 4 stars). 2 submissions from 2 submitters: Uncertain significance (2). Last evaluated 2025-04-21.

Conditions:
Hereditary cancer-predisposing syndrome. Also called: Hereditary Cancer Syndrome; Hereditary neoplastic syndrome; Tumor predisposition; Neoplastic Syndromes, Hereditary. Identifiers: Orphanet 140162, MedGen C0027672, MeSH D009386, MONDO:0015356.

Allele frequency attached by ClinVar (database versions not stated): gnomAD exomes below 0.00001; ExAC 0.00001.

Submissions (2):

Ambry Genetics
Classification: Uncertain significance for Hereditary cancer-predisposing syndrome. Last evaluated: 2025-04-21. Review status: criteria provided, single submitter. Criteria: Ambry Variant Classification Scheme 2023. Collection method: clinical testing. Allele origin: germline.
Comment: The p.G80R variant (also known as c.238G>A), located in coding exon 3 of the SMARCB1 gene, results from a G to A substitution at nucleotide position 238. The glycine at codon 80 is replaced by arginine, an amino acid with dissimilar properties. This amino acid position is highly conserved in available vertebrate species. In addition, this alteration is predicted to be deleterious by in silico analysis. Based on the available evidence, the clinical significance of this variant remains unclear.

Labcorp Genetics (formerly Invitae), Labcorp
Classification: Uncertain significance. Last evaluated: 2024-03-20. Review status: criteria provided, single submitter. Criteria: Invitae Variant Classification Sherloc (09022015). Collection method: clinical testing. Allele origin: germline.
Comment: This sequence change replaces glycine, which is neutral and non-polar, with arginine, which is basic and polar, at codon 80 of the SMARCB1 protein (p.Gly80Arg). This variant is present in population databases (rs754395342, gnomAD 0.003%). This variant has not been reported in the literature in individuals affected with SMARCB1-related conditions. ClinVar contains an entry for this variant (Variation ID: 1790550). An algorithm developed to predict the effect of missense changes on protein structure and function (PolyPhen-2) suggests that this variant is likely to be tolerated. In summary, the available evidence is currently insufficient to determine the role of this variant in disease. Therefore, it has been classified as a Variant of Uncertain Significance.